The following is an entry in ClinVar:

ClinVar aggregate classification (germline): Uncertain significance (1 of 4 stars; one submission).

Conditions:
Hypertrophic cardiomyopathy 14. Identifiers: MedGen C2750467, MONDO:0013197, OMIM 613251.

Allele frequency attached by ClinVar (database versions not stated): TOPMed 0.00001.
gnomAD v4.1: 1 of 1,614,188 alleles (0.000062%); highest among the groups gnomAD compares: Admixed American, 0.0017%; no homozygotes.

Submission:

Labcorp Genetics (formerly Invitae), Labcorp
Classification: Uncertain significance for Hypertrophic cardiomyopathy 14. Last evaluated: 2022-06-22. Review status: criteria provided, single submitter. Criteria: Invitae Variant Classification Sherloc (09022015). Collection method: clinical testing. Allele origin: germline.
Comment: This variant has not been reported in the literature in individuals affected with MYH6-related conditions. This sequence change replaces arginine, which is basic and polar, with glycine, which is neutral and non-polar, at codon 680 of the MYH6 protein (p.Arg680Gly). This variant is present in population databases (no rsID available, gnomAD 0.003%). Algorithms developed to predict the effect of missense changes on protein structure and function (SIFT, PolyPhen-2, Align-GVGD) all suggest that this variant is likely to be tolerated. In summary, the available evidence is currently insufficient to determine the role of this variant in disease. Therefore, it has been classified as a Variant of Uncertain Significance.

NM_002471.4(MYH6):c.2038C>G (p.Arg680Gly)

Gene: MYH6 (myosin heavy chain 6; minus strand). Cytogenetic location: 14q11.2.
Variant type: single nucleotide variant.
Coding change: c.2038C>G on transcript NM_002471.4 (MANE Select); coding-DNA position 2038, C replaced by G.
Protein change: p.Arg680Gly; replaces arginine 680 with glycine.
Molecular consequence: missense variant.
Genome position (GRCh38, 1-based): chr14:23,397,182, G>C on the plus strand (C>G on the coding strand, the complement: MYH6 is on the minus strand). VCF-style: chr14-23397182-G-C. GRCh37 (hg19) VCF-style: chr14-23866391-G-C.
Other names: short protein forms R680G.
Identifiers: ClinVar variation 1899480 (VCV001899480.5), dbSNP rs576497958, ClinGen allele CA389019219.